The following is an entry in ClinVar:

ClinVar aggregate classification (germline): Likely benign. Review status: criteria provided, single submitter (1 of 4 stars). 2 submissions from 2 submitters: Likely benign (1). 1 of the submissions does not count toward it. Last evaluated 2025-02-20.

Conditions:
SCP2-related disorder. Also called: SCP2-related condition.

Allele frequency attached by ClinVar (database versions not stated): gnomAD 0.00003 and 0.00004; TOPMed 0.00003; gnomAD exomes 0.00004; ExAC 0.00005; ESP Exome Variant Server 0.00008.
gnomAD v4.1: 96 of 1,613,652 alleles (0.0059%); highest among the groups gnomAD compares: Non-Finnish European, 0.0079%; no homozygotes.

Submissions (2):

Labcorp Genetics (formerly Invitae), Labcorp
Classification: Likely benign. Last evaluated: 2025-02-20. Review status: criteria provided, single submitter. Criteria: Invitae Variant Classification Sherloc (09022015). Collection method: clinical testing. Allele origin: germline.

PreventionGenetics, part of Exact Sciences
Classification: Likely benign for SCP2-related condition. Last evaluated: 2024-06-01. Review status: no assertion criteria provided. Collection method: clinical testing. Allele origin: germline. Not counted in ClinVar's aggregate classification.
Comment: This variant is classified as likely benign based on ACMG/AMP sequence variant interpretation guidelines (Richards et al. 2015 PMID: 25741868, with internal and published modifications).

NM_002979.5(SCP2):c.432T>C (p.Val144=)

Gene: SCP2 (sterol carrier protein 2; plus strand). Cytogenetic location: 1p32.3.
Variant type: single nucleotide variant.
Coding change: c.432T>C on transcript NM_002979.5 (MANE Select); coding-DNA position 432, T replaced by C.
Protein change: p.Val144=; no amino-acid change (valine 144 retained).
Molecular consequence: synonymous variant.
Genome position (GRCh38, 1-based): chr1:52,961,538, T>C. VCF-style: chr1-52961538-T-C. GRCh37 (hg19) VCF-style: chr1-53427210-T-C.
Other names: c.432T>C (NM_002979.4); c.300T>C, p.Val100= (NM_001007098.3, NM_001193600.2); c.360T>C, p.Val120= (NM_001193599.2); c.189T>C, p.Val63= (NM_001193617.2); c.432T>C, p.Val144= (NM_001330587.2).
Identifiers: ClinVar variation 1663695 (VCV001663695.9), dbSNP rs372729186, ClinGen allele CA857114.